The following is an entry in ClinVar:

NM_006080.3(SEMA3A):c.1858G>A (p.Glu620Lys)

Gene: SEMA3A (semaphorin 3A; minus strand). Cytogenetic location: 7q21.11.
Variant type: single nucleotide variant.
Coding change: c.1858G>A on transcript NM_006080.3 (MANE Select); coding-DNA position 1858, G replaced by A.
Protein change: p.Glu620Lys; replaces glutamic acid 620 with lysine.
Molecular consequence: missense variant.
Genome position (GRCh38, 1-based): chr7:83,963,207, C>T on the plus strand (G>A on the coding strand, the complement: SEMA3A is on the minus strand). VCF-style: chr7-83963207-C-T. GRCh37 (hg19) VCF-style: chr7-83592523-C-T.
Other names: short protein forms E620K.
Identifiers: ClinVar variation 3159698 (VCV003159698.5), dbSNP rs140867543, ClinGen allele CA4322600.

ClinVar aggregate classification (germline): Uncertain significance. Review status: criteria provided, multiple submitters, no conflicts (2 of 4 stars). 3 submissions from 3 submitters: Uncertain significance (3). Last evaluated 2026-10-06.

Conditions:
Inborn genetic diseases. Identifiers: MedGen C0950123, MeSH D030342.
SEMA3A-related disorder. Also called: SEMA3A-related condition.

Allele frequency attached by ClinVar (database versions not stated): gnomAD 0.00003; ESP Exome Variant Server 0.00008; TOPMed 0.00007; gnomAD exomes 0.00003; ExAC 0.00004.
gnomAD v4.1: 55 of 1,612,816 alleles (0.0034%); highest among the groups gnomAD compares: Middle Eastern, 0.033%; no homozygotes.

Submissions (3):

GeneDx
Classification: Uncertain significance. Last evaluated: 2026-10-06. Review status: criteria provided, single submitter. Criteria: GeneDx Variant Classification Process June 2021. Collection method: clinical testing. Allele origin: germline.
Comment: In silico analysis supports that this missense variant has a deleterious effect on protein structure/function; Has not been previously published as pathogenic or benign to our knowledge

PreventionGenetics, part of Exact Sciences
Classification: Uncertain significance for SEMA3A-related condition. Last evaluated: 2026-01-07. Review status: criteria provided, single submitter. Criteria: ACMG Guidelines, 2015. Collection method: clinical testing. Allele origin: germline.
Comment: The SEMA3A c.1858G>A variant is predicted to result in the amino acid substitution p.Glu620Lys. To our knowledge, this variant has not been reported in the literature. This variant is reported in 0.026% of alleles in individuals of Latino descent in gnomAD, which may be too common to be a primary cause of disease. Although we suspect that this variant may be benign, at this time, the clinical significance of this variant is uncertain due to the absence of conclusive functional and genetic evidence.

Ambry Genetics
Classification: Uncertain significance for Inborn genetic diseases. Last evaluated: 2024-01-30. Review status: criteria provided, single submitter. Criteria: Ambry Variant Classification Scheme 2023. Collection method: clinical testing. Allele origin: germline.